The following is an entry in ClinVar:

NM_001854.4(COL11A1):c.3497G>A (p.Gly1166Asp)

Gene: COL11A1 (collagen type XI alpha 1 chain; minus strand). Cytogenetic location: 1p21.1.
Variant type: single nucleotide variant.
Coding change: c.3497G>A on transcript NM_001854.4 (MANE Select); coding-DNA position 3497, G replaced by A.
Protein change: p.Gly1166Asp; replaces glycine 1166 with aspartic acid.
Molecular consequence: missense variant. On other transcripts: non-coding transcript variant (1).
Genome position (GRCh38, 1-based): chr1:102,934,552, C>T on the plus strand (G>A on the coding strand, the complement: COL11A1 is on the minus strand). VCF-style: chr1-102934552-C-T. GRCh37 (hg19) VCF-style: chr1-103400108-C-T.
Other names: c.3380G>A, p.Gly1127Asp (NM_001190709.2); c.3533G>A, p.Gly1178Asp (NM_080629.3); c.3149G>A, p.Gly1050Asp (NM_080630.4); short protein forms G1127D, G1178D, G1050D, G1166D.
Identifiers: ClinVar variation 4748708 (VCV004748708.1).
Genomic context (GRCh38, chr1:102,934,552, plus strand): 5'-CCCTCATCACCTTTTTGCCCAAACATCCCCTGCTGTCCTCTAGGACCTGGTTCACCATCA[C>T]CTCCCTAGAGAAGAGAAAGAAACATTATCACAAACTGGAAAAAATCATTACGATATGAGT-3'
Protein context (NP_001845.3, residues 1156-1176): GPVGAPGIAG[Gly1166Asp]DGEPGPRGQQ

ClinVar aggregate classification (germline): Uncertain significance (1 of 4 stars; one submission).

gnomAD v4.1: 6 of 1,611,902 alleles (0.00037%); highest among the groups gnomAD compares: Non-Finnish European, 0.00051%; no homozygotes.

Submission:

Labcorp Genetics (formerly Invitae), Labcorp
Classification: Uncertain significance. Last evaluated: 2025-08-11. Review status: criteria provided, single submitter. Criteria: Invitae Variant Classification Sherloc (09022015). Collection method: clinical testing. Allele origin: germline.
Comment: This sequence change replaces glycine, which is neutral and non-polar, with aspartic acid, which is acidic and polar, at codon 1166 of the COL11A1 protein (p.Gly1166Asp). This variant is not present in population databases (gnomAD no frequency). This variant has not been reported in the literature in individuals affected with COL11A1-related conditions. Invitae Evidence Modeling of protein sequence and biophysical properties (such as structural, functional, and spatial information, amino acid conservation, physicochemical variation, residue mobility, and thermodynamic stability) indicates that this missense variant is not expected to disrupt COL11A1 protein function with a negative predictive value of 80%. In summary, the available evidence is currently insufficient to determine the role of this variant in disease. Therefore, it has been classified as a Variant of Uncertain Significance.